The following is an entry in ClinVar:

NM_000045.4(ARG1):c.654T>G (p.Tyr218Ter)

Genes: MED23 (mediator complex subunit 23; minus strand), ARG1 (arginase 1; plus strand). Cytogenetic location: 6q23.2.
Variant type: single nucleotide variant.
Coding change: c.654T>G on transcript NM_000045.4 (MANE Select); coding-DNA position 654, T replaced by G.
Protein change: p.Tyr218Ter; replaces tyrosine 218 with a stop codon.
Molecular consequence: nonsense. On other transcripts: non-coding transcript variant (1), intron variant (2).
Genome position (GRCh38, 1-based): chr6:131,583,153, T>G. VCF-style: chr6-131583153-T-G. GRCh37 (hg19) VCF-style: chr6-131904293-T-G.
Other names: c.678T>G, p.Tyr226Ter (NM_001244438.2); c.399T>G, p.Tyr133Ter (NM_001369020.1); c.4077+4556A>C (NM_001270521.2); c.4095+4556A>C (NM_015979.4); short protein forms Y133*, Y218*, Y226*.
Identifiers: ClinVar variation 5015679 (VCV005015679.1).

ClinVar aggregate classification (germline): Pathogenic (1 of 4 stars; one submission).

Conditions:
Arginase deficiency. Also called: ARGININEMIA; ARG1 DEFICIENCY; Arginase 1 Deficiency. Identifiers: Orphanet 90, MedGen C0268548, MONDO:0008814, OMIM 207800.

gnomAD v4.1: 2 of 1,613,638 alleles (0.00012%); highest among the groups gnomAD compares: Non-Finnish European, 0.00017%; no homozygotes.

Submission:

Myriad Genetics, Inc.
Classification: Pathogenic for Arginase deficiency. Last evaluated: 2026-03-14. Review status: criteria provided, single submitter. Criteria: Myriad Autosomal Dominant, Autosomal Recessive and X-Linked Classification Criteria (2023). Collection method: clinical testing. Allele origin: unknown.
Comment: NM_000045.3(ARG1):c.654T>G(Y218*) is expected to be pathogenic in the context of argininemia. This variant is predicted to lead to an abnormal or absent protein product due to the creation of a premature termination codon in ARG1, a gene where loss-of-function variants are known to be pathogenic. Please note: this variant was assessed in the context of healthy population screening.